The following is an entry in ClinVar:

ClinVar aggregate classification (germline): Pathogenic (1 of 4 stars; one submission).

Conditions:
Hereditary cancer-predisposing syndrome. Also called: Hereditary Cancer Syndrome; Neoplastic Syndromes, Hereditary; Hereditary neoplastic syndrome; Tumor predisposition. Identifiers: Orphanet 140162, MedGen C0027672, MeSH D009386, MONDO:0015356.

Submission:

Ambry Genetics
Classification: Pathogenic for Hereditary cancer-predisposing syndrome. Last evaluated: 2016-01-12. Review status: criteria provided, single submitter. Criteria: Ambry Variant Classification Scheme 2023. Collection method: clinical testing. Allele origin: germline.
Comment: The c.948_961del14 pathogenic mutation, located in coding exon 7 of the DICER1 gene, results from a deletion of 14 nucleotides between nucleotide positions 948 and 961, causing a translational frameshift with a predicted alternate stop codon. Since frameshifts are typically deleterious in nature, this alteration is interpreted as a disease-causing mutation (ACMG Recommendations for Standards for Interpretation and Reporting of Sequence Variations. Revision 2007. Genet Med. 2008;10:294).

NM_177438.3(DICER1):c.948_961del (p.Trp316fs)

Gene: DICER1 (dicer 1, ribonuclease III; minus strand). Cytogenetic location: 14q32.13.
Variant type: Deletion.
Coding change: c.948_961del on transcript NM_177438.3 (MANE Select); coding-DNA positions 948 to 961, 14 bases deleted (GTGTGCAGATAAAG).
Protein change: p.Trp316fs; shifts the reading frame from tryptophan 316.
Molecular consequence: frameshift variant.
Genome position (GRCh38, 1-based): chr14:95,124,611-95,124,624, CTTTATCTGCACAC deleted on the plus strand (GTGTGCAGATAAAG on the coding strand, the reverse complement: DICER1 is on the minus strand); deleting any 14 consecutive bases within chr14:95,124,611-95,124,625 gives the same sequence; the c. name uses the placement nearest the transcript's 3' end. VCF-style (leftmost placement, unchanged base first): chr14-95124610-ACTTTATCTGCACAC-A. GRCh37 (hg19) VCF-style: chr14-95590947-ACTTTATCTGCACAC-A.
Other names: c.948_961del, p.Trp316fs (NM_001195573.1, NM_001271282.3, NM_001291628.2 and 1 more transcripts); c.948_961delGTGTGCAGATAAAG (NM_177438.2); short protein forms W316fs.
Identifiers: ClinVar variation 429163 (VCV000429163.5), dbSNP rs1555374817, ClinGen allele CA645369626.